The following is an entry in ClinVar:

NM_003000.3(SDHB):c.176A>C (p.Gln59Pro)

Gene: SDHB (succinate dehydrogenase complex iron sulfur subunit B; minus strand). Cytogenetic location: 1p36.13.
Variant type: single nucleotide variant.
Coding change: c.176A>C on transcript NM_003000.3 (MANE Select); coding-DNA position 176, A replaced by C.
Protein change: p.Gln59Pro; replaces glutamine 59 with proline.
Molecular consequence: missense variant.
Genome position (GRCh38, 1-based): chr1:17,044,785, T>G on the plus strand (A>C on the coding strand, the complement: SDHB is on the minus strand). VCF-style: chr1-17044785-T-G. GRCh37 (hg19) VCF-style: chr1-17371280-T-G.
Other names: c.176A>C (NM_003000.2); short protein forms Q59P.
Identifiers: ClinVar variation 1483809 (VCV001483809.9), dbSNP rs2101541371, ClinGen allele CA338227793.

ClinVar aggregate classification (germline): Uncertain significance. Review status: criteria provided, multiple submitters, no conflicts (2 of 4 stars). 2 submissions from 2 submitters: Uncertain significance (2). Last evaluated 2026-03-25.

Conditions:
Hereditary cancer-predisposing syndrome. Also called: Hereditary neoplastic syndrome; Tumor predisposition; Hereditary Cancer Syndrome; Neoplastic Syndromes, Hereditary. Identifiers: Orphanet 140162, MedGen C0027672, MeSH D009386, MONDO:0015356.
Gastrointestinal stromal tumor. Also called: Gastrointestinal stroma tumor; Gastrointestinal stromal tumor, somatic. Identifiers: Orphanet 44890, MedGen C0238198, MeSH D046152, MONDO:0011719, OMIM 606764, HP:0100723.
Pheochromocytoma/paraganglioma syndrome 4. Also called: CAROTID BODY TUMORS AND MULTIPLE EXTRAADRENAL PHEOCHROMOCYTOMAS; SDHB-Related Hereditary Paraganglioma-Pheochromocytoma Syndrome; PARAGANGLIOMA, FAMILIAL MALIGNANT; PARAGANGLIOMAS, HEREDITARY EXTRAADRENAL; PHEOCHROMOCYTOMA, FAMILIAL EXTRAADRENAL; Paragangliomas 4. Identifiers: Orphanet 29072, MedGen C1861848, MONDO:0007273, OMIM 115310.
Pheochromocytoma. Also called: MAX-Related Hereditary Paraganglioma-Pheochromocytoma Syndrome. Identifiers: Orphanet 29072, MedGen C0031511, MONDO:0008233, OMIM 171300, HP:0002666.

Allele frequency attached by ClinVar (database versions not stated): gnomAD exomes below 0.00001.
gnomAD v4.1: 2 of 1,614,102 alleles (0.00012%); highest among the groups gnomAD compares: Non-Finnish European, 0.00017%; no homozygotes.

Submissions (2):

Ambry Genetics
Classification: Uncertain significance for Hereditary cancer-predisposing syndrome. Last evaluated: 2026-03-25. Review status: criteria provided, single submitter. Criteria: Ambry Variant Classification Scheme 2023. Collection method: clinical testing. Allele origin: germline.
Comment: The p.Q59P variant (also known as c.176A>C), located in coding exon 2 of the SDHB gene, results from an A to C substitution at nucleotide position 176. The glutamine at codon 59 is replaced by proline, an amino acid with similar properties. This amino acid position is highly conserved in available vertebrate species. In addition, this alteration is predicted to be deleterious by in silico analysis. Based on the available evidence, the clinical significance of this variant remains unclear.

Labcorp Genetics (formerly Invitae), Labcorp
Classification: Uncertain significance for Gastrointestinal stromal tumor; Pheochromocytoma/paraganglioma syndrome 4; Pheochromocytoma. Last evaluated: 2025-02-18. Review status: criteria provided, single submitter. Criteria: Invitae Variant Classification Sherloc (09022015). Collection method: clinical testing. Allele origin: germline.
Comment: This sequence change replaces glutamine, which is neutral and polar, with proline, which is neutral and non-polar, at codon 59 of the SDHB protein (p.Gln59Pro). This variant is not present in population databases (gnomAD no frequency). This variant has not been reported in the literature in individuals affected with SDHB-related conditions. ClinVar contains an entry for this variant (Variation ID: 1483809). Invitae Evidence Modeling of protein sequence and biophysical properties (such as structural, functional, and spatial information, amino acid conservation, physicochemical variation, residue mobility, and thermodynamic stability) indicates that this missense variant is expected to disrupt SDHB protein function with a positive predictive value of 80%. In summary, the available evidence is currently insufficient to determine the role of this variant in disease. Therefore, it has been classified as a Variant of Uncertain Significance.